The following is an entry in ClinVar:

ClinVar aggregate classification (germline): Likely pathogenic (1 of 4 stars; one submission).

Conditions:
Cardiovascular phenotype. Identifiers: MedGen CN230736.

Submission:

Ambry Genetics
Classification: Likely pathogenic for Cardiovascular phenotype. Last evaluated: 2023-10-03. Review status: criteria provided, single submitter. Criteria: Ambry Variant Classification Scheme 2023. Collection method: clinical testing. Allele origin: germline.
Comment: The c.2013_2145+77del210 gross deletion includes at least a portion of the coding exon 8 and involves the canonical splice donor site after coding exon 8 of the KCNH2 gene. The canonical splice donor site is highly conserved in available vertebrate species. In silico splice site analysis predicts that this alteration will weaken the native splice donor site and will result in the creation or strengthening of a novel splice donor site; however, the exact impact of this deletion on KCNH2 splicing and function is currently unknown. Alterations that disrupt the canonical splice site are expected to cause aberrant splicing, resulting in an abnormal protein or a transcript that is subject to nonsense-mediated mRNA decay. As such, this alteration is classified as likely pathogenic.

Literature cited by the submitters: PubMed 32383558; PubMed 33029862.

NM_000238.4(KCNH2):c.2013_2145+77del

Gene: KCNH2 (potassium voltage-gated channel subfamily H member 2; minus strand). Cytogenetic location: 7q36.1.
Variant type: Deletion.
Coding change: c.2013_2145+77del on transcript NM_000238.4 (MANE Select); coding-DNA position 2013 through 77 bases into the intron after coding-DNA position 2145, 210 bases deleted.
Molecular consequence: splice donor variant.
Genome position (GRCh38, 1-based): chr7:150,950,844-150,951,053, 210 bases deleted. GRCh37 (hg19): chr7:150,647,940-150,648,149.
Other names: c.1725_1857+77del (NM_001406753.1, NM_001406756.1); c.993_1125+77del (NM_172057.3, NM_001204798.2); c.2013_2145+77del (NM_172056.3); c.1836_1968+77del (NM_001406755.1); c.1713_1845+77del (NM_001406757.1).
Identifiers: ClinVar variation 3230725 (VCV003230725.1), dbSNP rs2486029577, ClinGen allele CA2825001555.